The following is an entry in ClinVar:

ClinVar aggregate classification (germline): Uncertain significance (1 of 4 stars; one submission).

Submission:

GeneDx
Classification: Uncertain significance. Last evaluated: 2024-03-13. Review status: criteria provided, single submitter. Criteria: GeneDx Variant Classification Process June 2021. Collection method: clinical testing. Allele origin: germline. Affected: yes.
Comment: In silico analysis supports that this missense variant has a deleterious effect on protein structure/function; Not observed at significant frequency in large population cohorts (gnomAD); Has not been previously published as pathogenic or benign to our knowledge

NM_001372.4(DNAH9):c.10334C>T (p.Ala3445Val)

Genes: DNAH9 (dynein axonemal heavy chain 9; plus strand), LOC101928350 (uncharacterized LOC101928350; minus strand). Cytogenetic location: 17p12.
Variant type: single nucleotide variant.
Coding change: c.10334C>T on transcript NM_001372.4 (MANE Select); coding-DNA position 10334, C replaced by T.
Protein change: p.Ala3445Val; replaces alanine 3445 with valine.
Molecular consequence: missense variant. On other transcripts: non-coding transcript variant (1).
Genome position (GRCh38, 1-based): chr17:11,875,040, C>T. VCF-style: chr17-11875040-C-T. GRCh37 (hg19) VCF-style: chr17-11778357-C-T.
Other names: short protein forms A3445V.
Identifiers: ClinVar variation 3370651 (VCV003370651.1).